The following is an entry in ClinVar:

ClinVar aggregate classification (germline): Uncertain significance (1 of 4 stars; one submission).

Submission:

GeneDx
Classification: Uncertain significance. Last evaluated: 2022-01-12. Review status: criteria provided, single submitter. Criteria: GeneDx Variant Classification Process June 2021. Collection method: clinical testing. Allele origin: germline. Affected: yes.
Comment: Not observed at significant frequency in large population cohorts (gnomAD); In silico analysis supports that this missense variant has a deleterious effect on protein structure/function; Has not been previously published as pathogenic or benign to our knowledge

NM_198253.3(TERT):c.3002T>C (p.Ile1001Thr)

Gene: TERT (telomerase reverse transcriptase; minus strand). Cytogenetic location: 5p15.33.
Variant type: single nucleotide variant.
Coding change: c.3002T>C on transcript NM_198253.3 (MANE Select); coding-DNA position 3002, T replaced by C.
Protein change: p.Ile1001Thr; replaces isoleucine 1001 with threonine.
Molecular consequence: missense variant. On other transcripts: non-coding transcript variant (2).
Genome position (GRCh38, 1-based): chr5:1,258,628, A>G on the plus strand (T>C on the coding strand, the complement: TERT is on the minus strand). VCF-style: chr5-1258628-A-G. GRCh37 (hg19) VCF-style: chr5-1258743-A-G.
Other names: c.2813T>C, p.Ile938Thr (NM_001193376.3); short protein forms I1001T, I938T.
Identifiers: ClinVar variation 1698110 (VCV001698110.2), dbSNP rs2126573449, ClinGen allele CA359068876.